The following is an entry in ClinVar:

NM_000179.3(MSH6):c.3055A>G (p.Ile1019Val)

Gene: MSH6 (mutS homolog 6; plus strand). Cytogenetic location: 2p16.3.
Variant type: single nucleotide variant.
Coding change: c.3055A>G on transcript NM_000179.3 (MANE Select); coding-DNA position 3055, A replaced by G.
Protein change: p.Ile1019Val; replaces isoleucine 1019 with valine.
Molecular consequence: missense variant.
Genome position (GRCh38, 1-based): chr2:47,801,038, A>G. VCF-style: chr2-47801038-A-G. GRCh37 (hg19) VCF-style: chr2-48028177-A-G.
Other names: c.2665A>G, p.Ile889Val (NM_001281492.2); c.2149A>G, p.Ile717Val (NM_001281493.2, NM_001281494.2); short protein forms I717V, I889V, I1019V.
Identifiers: ClinVar variation 846192 (VCV000846192.11), dbSNP rs1438943270, ClinGen allele CA346756512.
Genomic context (GRCh38, chr2:47,801,038, plus strand): 5'-ACCAAGAAGGGCTGTAAACGATACTGGACCAAAACTATTGAAAAGAAGTTGGCTAATCTC[A>G]TAAATGCTGAAGAACGGAGGGATGTATCATTGAAGGACTGCATGCGGCGACTGTTCTATA-3'
Protein context (NP_000170.1, residues 1009-1029): KTIEKKLANL[Ile1019Val]NAEERRDVSL

ClinVar aggregate classification (germline): Conflicting classifications of pathogenicity. Review status: criteria provided, conflicting classifications (1 of 4 stars). 2 submissions from 2 submitters: Uncertain significance (1); Likely benign (1). Last evaluated 2024-06-17.

Conditions:
Hereditary cancer-predisposing syndrome. Also called: Tumor predisposition; Hereditary neoplastic syndrome; Neoplastic Syndromes, Hereditary; Hereditary Cancer Syndrome. Identifiers: Orphanet 140162, MedGen C0027672, MeSH D009386, MONDO:0015356.
Hereditary nonpolyposis colorectal neoplasms. Identifiers: MedGen C0009405, MeSH D003123.

Allele frequency attached by ClinVar (database versions not stated): gnomAD exomes below 0.00001.
gnomAD v4.1: 3 of 1,586,744 alleles (0.00019%); highest among the groups gnomAD compares: South Asian, 0.0034%; no homozygotes.

Submissions (2):

Ambry Genetics
Classification: Uncertain significance for Hereditary cancer-predisposing syndrome. Last evaluated: 2024-06-17. Review status: criteria provided, single submitter. Criteria: Ambry Variant Classification Scheme 2023. Collection method: clinical testing. Allele origin: germline.
Comment: The p.I1019V variant (also known as c.3055A>G), located in coding exon 4 of the MSH6 gene, results from an A to G substitution at nucleotide position 3055. The isoleucine at codon 1019 is replaced by valine, an amino acid with highly similar properties. This amino acid position is conserved. In addition, this alteration is predicted to be tolerated by in silico analysis. Based on the available evidence, the clinical significance of this variant remains unclear.

Labcorp Genetics (formerly Invitae), Labcorp
Classification: Likely benign for Hereditary nonpolyposis colorectal neoplasms. Last evaluated: 2024-03-19. Review status: criteria provided, single submitter. Criteria: Invitae Variant Classification Sherloc (09022015). Collection method: clinical testing. Allele origin: germline.